The following is an entry in ClinVar:

ClinVar aggregate classification (germline): Uncertain significance (1 of 4 stars; one submission).

Submission:

Labcorp Genetics (formerly Invitae), Labcorp
Classification: Uncertain significance. Last evaluated: 2024-12-23. Review status: criteria provided, single submitter. Criteria: Invitae Variant Classification Sherloc (09022015). Collection method: clinical testing. Allele origin: germline.
Comment: This sequence change replaces aspartic acid, which is acidic and polar, with asparagine, which is neutral and polar, at codon 601 of the MCM5 protein (p.Asp601Asn). This variant is present in population databases (rs747752842, gnomAD 0.0009%). This variant has not been reported in the literature in individuals affected with MCM5-related conditions. Invitae Evidence Modeling of protein sequence and biophysical properties (such as structural, functional, and spatial information, amino acid conservation, physicochemical variation, residue mobility, and thermodynamic stability) indicates that this missense variant is not expected to disrupt MCM5 protein function with a negative predictive value of 80%. In summary, the available evidence is currently insufficient to determine the role of this variant in disease. Therefore, it has been classified as a Variant of Uncertain Significance.

NM_006739.4(MCM5):c.1801G>A (p.Asp601Asn)

Gene: MCM5 (minichromosome maintenance complex component 5; plus strand). Cytogenetic location: 22q12.3.
Variant type: single nucleotide variant.
Coding change: c.1801G>A on transcript NM_006739.4 (MANE Select); coding-DNA position 1801, G replaced by A.
Protein change: p.Asp601Asn; replaces aspartic acid 601 with asparagine.
Molecular consequence: missense variant.
Genome position (GRCh38, 1-based): chr22:35,419,981, G>A. VCF-style: chr22-35419981-G-A. GRCh37 (hg19) VCF-style: chr22-35815974-G-A.
Other names: short protein forms D601N.
Identifiers: ClinVar variation 3667064 (VCV003667064.2).